The following is an entry in ClinVar:

NM_006939.4(SOS2):c.1430G>A (p.Arg477Gln)

Gene: SOS2 (SOS Ras/Rho guanine nucleotide exchange factor 2; minus strand). Cytogenetic location: 14q21.3.
Variant type: single nucleotide variant.
Coding change: c.1430G>A on transcript NM_006939.4 (MANE Select); coding-DNA position 1430, G replaced by A.
Protein change: p.Arg477Gln; replaces arginine 477 with glutamine.
Molecular consequence: missense variant.
Genome position (GRCh38, 1-based): chr14:50,159,853, C>T on the plus strand (G>A on the coding strand, the complement: SOS2 is on the minus strand). VCF-style: chr14-50159853-C-T. GRCh37 (hg19) VCF-style: chr14-50626571-C-T.
Other names: short protein forms R477Q.
Identifiers: ClinVar variation 1472277 (VCV001472277.8), dbSNP rs139953230, ClinGen allele CA7177278.

ClinVar aggregate classification (germline): Uncertain significance (1 of 4 stars; one submission).

Conditions:
Noonan syndrome 9 (NS9). Identifiers: Orphanet 648, MedGen C4225282, MONDO:0014691, OMIM 616559.

Allele frequency attached by ClinVar (database versions not stated): gnomAD 0.00001; gnomAD exomes 0.00001; ExAC 0.00002; ESP Exome Variant Server 0.00008.
gnomAD v4.1: 6 of 1,613,942 alleles (0.00037%); highest among the groups gnomAD compares: Non-Finnish European, 0.00025%; no homozygotes.

Submission:

Labcorp Genetics (formerly Invitae), Labcorp
Classification: Uncertain significance for Noonan syndrome 9. Last evaluated: 2021-05-25. Review status: criteria provided, single submitter. Criteria: Invitae Variant Classification Sherloc (09022015). Collection method: clinical testing. Allele origin: germline.
Comment: This variant is present in population databases (rs139953230, ExAC 0.003%). This sequence change replaces arginine with glutamine at codon 477 of the SOS2 protein (p.Arg477Gln). The arginine residue is moderately conserved and there is a small physicochemical difference between arginine and glutamine. In summary, the available evidence is currently insufficient to determine the role of this variant in disease. Therefore, it has been classified as a Variant of Uncertain Significance. Advanced modeling of protein sequence and biophysical properties (such as structural, functional, and spatial information, amino acid conservation, physicochemical variation, residue mobility, and thermodynamic stability) performed at Invitae indicates that this missense variant is expected to disrupt SOS2 protein function. This variant has not been reported in the literature in individuals with SOS2-related conditions.